The following is an entry in ClinVar:

NM_153365.3(TAPT1):c.433C>A (p.Pro145Thr)

Gene: TAPT1 (transmembrane anterior posterior transformation 1; minus strand). Cytogenetic location: 4p15.32.
Variant type: single nucleotide variant.
Coding change: c.433C>A on transcript NM_153365.3 (MANE Select); coding-DNA position 433, C replaced by A.
Protein change: p.Pro145Thr; replaces proline 145 with threonine.
Molecular consequence: missense variant.
Genome position (GRCh38, 1-based): chr4:16,202,478, G>T on the plus strand (C>A on the coding strand, the complement: TAPT1 is on the minus strand). VCF-style: chr4-16202478-G-T. GRCh37 (hg19) VCF-style: chr4-16204101-G-T.
Other names: short protein forms P145T.
Identifiers: ClinVar variation 1423445 (VCV001423445.3), dbSNP rs202111552, ClinGen allele CA2867525.

ClinVar aggregate classification (germline): Uncertain significance (1 of 4 stars; one submission).

Allele frequency attached by ClinVar (database versions not stated): gnomAD exomes 0.00002 and 0.00006; ExAC 0.00004.
gnomAD v4.1: 80 of 1,546,830 alleles (0.0052%); highest among the groups gnomAD compares: Non-Finnish European, 0.0066%; no homozygotes.

Submission:

Labcorp Genetics (formerly Invitae), Labcorp
Classification: Uncertain significance. Last evaluated: 2021-08-18. Review status: criteria provided, single submitter. Criteria: Invitae Variant Classification Sherloc (09022015). Collection method: clinical testing. Allele origin: germline.
Comment: This sequence change replaces proline with threonine at codon 145 of the TAPT1 protein (p.Pro145Thr). The proline residue is moderately conserved and there is a small physicochemical difference between proline and threonine. This variant is present in population databases (rs202111552, ExAC 0.01%). This variant has not been reported in the literature in individuals affected with TAPT1-related conditions. Algorithms developed to predict the effect of missense changes on protein structure and function are either unavailable or do not agree on the potential impact of this missense change (SIFT: "Tolerated"; PolyPhen-2: "Possibly Damaging"; Align-GVGD: "Class C0"). In summary, the available evidence is currently insufficient to determine the role of this variant in disease. Therefore, it has been classified as a Variant of Uncertain Significance.